The following is an entry in ClinVar:

NM_177438.3(DICER1):c.3643A>G (p.Thr1215Ala)

Gene: DICER1 (dicer 1, ribonuclease III; minus strand). Cytogenetic location: 14q32.13.
Variant type: single nucleotide variant.
Coding change: c.3643A>G on transcript NM_177438.3 (MANE Select); coding-DNA position 3643, A replaced by G.
Protein change: p.Thr1215Ala; replaces threonine 1215 with alanine.
Molecular consequence: missense variant. On other transcripts: non-coding transcript variant (6).
Genome position (GRCh38, 1-based): chr14:95,103,753, T>C on the plus strand (A>G on the coding strand, the complement: DICER1 is on the minus strand). VCF-style: chr14-95103753-T-C. GRCh37 (hg19) VCF-style: chr14-95570090-T-C.
Other names: c.3643A>G, p.Thr1215Ala (NM_001195573.1, NM_001271282.3, NM_001291628.2 and 12 more transcripts); c.3361A>G, p.Thr1121Ala (NM_001395686.1); c.3238A>G, p.Thr1080Ala (NM_001395687.1, NM_001395688.1, NM_001395689.1 and 2 more transcripts); c.3076A>G, p.Thr1026Ala (NM_001395691.1); c.1960A>G, p.Thr654Ala (NM_001395697.1); short protein forms T1026A, T1215A, T654A, T1080A, T1121A.
Identifiers: ClinVar variation 3638585 (VCV003638585.2).

ClinVar aggregate classification (germline): Uncertain significance (1 of 4 stars; one submission).

Conditions:
DICER1-related tumor predisposition. Also called: DICER1-related pleuropulmonary blastoma cancer predisposition syndrome; DICER1 syndrome. Identifiers: Orphanet 284343, MedGen C3839822, MONDO:0100216.

Submission:

Labcorp Genetics (formerly Invitae), Labcorp
Classification: Uncertain significance for DICER1-related tumor predisposition. Last evaluated: 2025-12-10. Review status: criteria provided, single submitter. Criteria: Invitae Variant Classification Sherloc (09022015). Collection method: clinical testing. Allele origin: germline.
Comment: This sequence change replaces threonine, which is neutral and polar, with alanine, which is neutral and non-polar, at codon 1215 of the DICER1 protein (p.Thr1215Ala). This variant is not present in population databases (gnomAD no frequency). This variant has not been reported in the literature in individuals affected with DICER1-related conditions. ClinVar contains an entry for this variant (Variation ID: 3638585). Invitae Evidence Modeling of protein sequence and biophysical properties (such as structural, functional, and spatial information, amino acid conservation, physicochemical variation, residue mobility, and thermodynamic stability) indicates that this missense variant is not expected to disrupt DICER1 protein function with a negative predictive value of 95%. In summary, the available evidence is currently insufficient to determine the role of this variant in disease. Therefore, it has been classified as a Variant of Uncertain Significance.